The following is an entry in ClinVar:

NM_001256404.2(DENND2C):c.1341C>T (p.Asn447=)

Gene: DENND2C (DENN domain containing 2C; minus strand). Cytogenetic location: 1p13.2.
Variant type: single nucleotide variant.
Coding change: c.1341C>T on transcript NM_001256404.2 (MANE Select); coding-DNA position 1341, C replaced by T.
Protein change: p.Asn447=; no amino-acid change (asparagine 447 retained).
Molecular consequence: synonymous variant.
Genome position (GRCh38, 1-based): chr1:114,611,101, G>A on the plus strand (C>T on the coding strand, the complement: DENND2C is on the minus strand). VCF-style: chr1-114611101-G-A. GRCh37 (hg19) VCF-style: chr1-115153722-G-A.
Other names: c.1170C>T, p.Asn390= (NM_198459.4).
Identifiers: ClinVar variation 2639005 (VCV002639005.24), dbSNP rs146250607, ClinGen allele CA1019588.

ClinVar aggregate classification (germline): Benign (1 of 4 stars; one submission).

Allele frequency attached by ClinVar (database versions not stated): 1000 Genomes Project 0.00180; 1000 Genomes Project 30x 0.00203; gnomAD 0.00728; ExAC 0.00779; ESP Exome Variant Server 0.00807.
gnomAD v4.1: 13,379 of 1,614,036 alleles (0.83%); highest among the groups gnomAD compares: Non-Finnish European, 0.94%; 78 homozygotes.

Submission:

CeGaT Center for Human Genetics Tuebingen
Classification: Benign. Last evaluated: 2023-01-01. Review status: criteria provided, single submitter. Criteria: CeGaT Center For Human Genetics Tuebingen Variant Classification Criteria Version 2. Collection method: clinical testing. Allele origin: germline. Affected: yes. Observed: 1 variant allele.
Comment: DENND2C: BP4, BP7, BS1, BS2